The following is an entry in ClinVar:

NM_145331.3(MAP3K7):c.595G>A (p.Glu199Lys)

Gene: MAP3K7 (mitogen-activated protein kinase kinase kinase 7; minus strand). Cytogenetic location: 6q15.
Variant type: single nucleotide variant.
Coding change: c.595G>A on transcript NM_145331.3 (MANE Select); coding-DNA position 595, G replaced by A.
Protein change: p.Glu199Lys; replaces glutamic acid 199 with lysine.
Molecular consequence: missense variant.
Genome position (GRCh38, 1-based): chr6:90,556,512, C>T on the plus strand (G>A on the coding strand, the complement: MAP3K7 is on the minus strand). VCF-style: chr6-90556512-C-T. GRCh37 (hg19) VCF-style: chr6-91266231-C-T.
Other names: c.595G>A, p.Glu199Lys (NM_003188.4, NM_145332.3, NM_145333.3); short protein forms E199K.
Identifiers: ClinVar variation 2049531 (VCV002049531.4), dbSNP rs2481830568, ClinGen allele CA365013577.

ClinVar aggregate classification (germline): Uncertain significance (1 of 4 stars; one submission).

Submission:

Labcorp Genetics (formerly Invitae), Labcorp
Classification: Uncertain significance. Last evaluated: 2024-01-15. Review status: criteria provided, single submitter. Criteria: Invitae Variant Classification Sherloc (09022015). Collection method: clinical testing. Allele origin: germline.
Comment: This sequence change replaces glutamic acid, which is acidic and polar, with lysine, which is basic and polar, at codon 199 of the MAP3K7 protein (p.Glu199Lys). This variant is not present in population databases (gnomAD no frequency). This variant has not been reported in the literature in individuals affected with MAP3K7-related conditions. ClinVar contains an entry for this variant (Variation ID: 2049531). An algorithm developed to predict the effect of missense changes on protein structure and function (PolyPhen-2) suggests that this variant is likely to be disruptive. In summary, the available evidence is currently insufficient to determine the role of this variant in disease. Therefore, it has been classified as a Variant of Uncertain Significance.